The following is an entry in ClinVar:

ClinVar aggregate classification (germline): Conflicting classifications of pathogenicity. Review status: criteria provided, conflicting classifications (1 of 4 stars). 2 submissions from 2 submitters: Uncertain significance (1); Likely benign (1). Last evaluated 2024-06-03.

gnomAD v4.1: 36 of 1,612,428 alleles (0.0022%); highest among the groups gnomAD compares: Non-Finnish European, 0.0023%; no homozygotes.

Submissions (2):

Labcorp Genetics (formerly Invitae), Labcorp
Classification: Uncertain significance. Last evaluated: 2024-06-03. Review status: criteria provided, single submitter. Criteria: Invitae Variant Classification Sherloc (09022015). Collection method: clinical testing. Allele origin: germline.
Comment: This sequence change replaces proline, which is neutral and non-polar, with histidine, which is basic and polar, at codon 609 of the DLC1 protein (p.Pro609His). This variant is present in population databases (rs371098007, gnomAD 0.006%). This variant has not been reported in the literature in individuals affected with DLC1-related conditions. Algorithms developed to predict the effect of missense changes on protein structure and function output the following: SIFT: "Not Available"; PolyPhen-2: "Benign"; Align-GVGD: "Not Available". The histidine amino acid residue is found in multiple mammalian species, which suggests that this missense change does not adversely affect protein function. In summary, the available evidence is currently insufficient to determine the role of this variant in disease. Therefore, it has been classified as a Variant of Uncertain Significance.

Ambry Genetics
Classification: Likely benign. Last evaluated: 2023-10-10. Review status: criteria provided, single submitter. Criteria: Ambry Variant Classification Scheme 2023. Collection method: clinical testing. Allele origin: germline.

NM_182643.3(DLC1):c.1826C>A (p.Pro609His)

Gene: DLC1 (DLC1 Rho GTPase activating protein; minus strand). Cytogenetic location: 8p22.
Variant type: single nucleotide variant.
Coding change: c.1826C>A on transcript NM_182643.3 (MANE Select); coding-DNA position 1826, C replaced by A.
Protein change: p.Pro609His; replaces proline 609 with histidine.
Molecular consequence: missense variant.
Genome position (GRCh38, 1-based): chr8:13,100,511, G>T on the plus strand (C>A on the coding strand, the complement: DLC1 is on the minus strand). VCF-style: chr8-13100511-G-T. GRCh37 (hg19) VCF-style: chr8-12958020-G-T.
Other names: c.293C>A, p.Pro98His (NM_001164271.2, NM_001348082.2, NM_001348083.1 and 6 more transcripts); c.617C>A, p.Pro206His (NM_001316668.2, NM_001413129.1); c.1826C>A, p.Pro609His (NM_001348081.2, NM_001413124.1); c.608C>A, p.Pro203His (NM_001413130.1); c.266C>A, p.Pro89His (NM_001413131.1, NM_001413137.1); c.752C>A, p.Pro251His (NM_001413132.1); c.515C>A, p.Pro172His (NM_001413135.1, NM_001413136.1, NM_001413139.1 and 1 more transcripts); c.650C>A, p.Pro217His (NM_001413140.1); short protein forms P217H, P203H, P206H, P251H, P98H, P172H, P609H, P89H.
Identifiers: ClinVar variation 3082676 (VCV003082676.3), dbSNP rs371098007, ClinGen allele CA4638794.